The following is an entry in ClinVar:

ClinVar aggregate classification (germline): Uncertain significance (1 of 4 stars; one submission).

Conditions:
Aortic aneurysm, familial thoracic 7 (AAT7). Also called: AORTIC DISSECTION, FAMILIAL, WITH OR WITHOUT AORTIC ANEURYSM. Identifiers: MedGen C3151077, MONDO:0013418, OMIM 613780.

Submission:

Labcorp Genetics (formerly Invitae), Labcorp
Classification: Uncertain significance for Aortic aneurysm, familial thoracic 7. Last evaluated: 2022-05-04. Review status: criteria provided, single submitter. Criteria: Invitae Variant Classification Sherloc (09022015). Collection method: clinical testing. Allele origin: germline.
Comment: This variant is not present in population databases (gnomAD no frequency). In summary, the available evidence is currently insufficient to determine the role of this variant in disease. Therefore, it has been classified as a Variant of Uncertain Significance. Algorithms developed to predict the effect of missense changes on protein structure and function are either unavailable or do not agree on the potential impact of this missense change (SIFT: "Deleterious"; PolyPhen-2: "Benign"; Align-GVGD: "Class C65"). This variant has not been reported in the literature in individuals affected with MYLK-related conditions. This sequence change replaces cysteine, which is neutral and slightly polar, with glycine, which is neutral and non-polar, at codon 233 of the MYLK protein (p.Cys233Gly).

NM_053025.4(MYLK):c.697T>G (p.Cys233Gly)

Gene: MYLK (myosin light chain kinase; minus strand). Cytogenetic location: 3q21.1.
Variant type: single nucleotide variant.
Coding change: c.697T>G on transcript NM_053025.4 (MANE Select); coding-DNA position 697, T replaced by G.
Protein change: p.Cys233Gly; replaces cysteine 233 with glycine.
Molecular consequence: missense variant.
Genome position (GRCh38, 1-based): chr3:123,737,435, A>C on the plus strand (T>G on the coding strand, the complement: MYLK is on the minus strand). VCF-style: chr3-123737435-A-C. GRCh37 (hg19) VCF-style: chr3-123456282-A-C.
Other names: c.169T>G, p.Cys57Gly (NM_001321309.2); c.697T>G, p.Cys233Gly (NM_053026.4, NM_053027.4, NM_053028.4); short protein forms C233G, C57G.
Identifiers: ClinVar variation 2044811 (VCV002044811.4), dbSNP rs2474606129, ClinGen allele CA354240683.
Genomic context (GRCh38, chr3:123,737,435, plus strand): 5'-TACCTTGGATGGAAAGTTCAGCTGACATCGAGGCCTTCCCCGACCCGTTCACCACCAGGC[A>C]CGTGTACACTCCCACGTCATCTTGGTTGACTCCATGGATTTCCAGAACCTGCATGCCGTT-3'
Protein context (NP_444253.3, residues 223-243): VNQDDVGVYT[Cys233Gly]LVVNGSGKAS